The following is an entry in ClinVar:

NM_007294.4(BRCA1):c.1591A>T (p.Met531Leu)

Gene: BRCA1 (BRCA1 DNA repair associated; minus strand). Cytogenetic location: 17q21.31.
Variant type: single nucleotide variant.
Coding change: c.1591A>T on transcript NM_007294.4 (MANE Select); coding-DNA position 1591, A replaced by T.
Protein change: p.Met531Leu; replaces methionine 531 with leucine.
Molecular consequence: missense variant. On other transcripts: intron variant (137).
Genome position (GRCh38, 1-based): chr17:43,093,940, T>A on the plus strand (A>T on the coding strand, the complement: BRCA1 is on the minus strand). VCF-style: chr17-43093940-T-A. GRCh37 (hg19) VCF-style: chr17-41245957-T-A.
Other names: c.1450A>T, p.Met484Leu (NM_001407729.1, NM_001407730.1, NM_001407734.1 and 29 more transcripts); c.1381A>T, p.Met461Leu (NM_001407909.1, NM_001407910.1, NM_001407879.1 and 13 more transcripts); c.1378A>T, p.Met460Leu (NM_001407915.1, NM_001407916.1, NM_001407917.1 and 9 more transcripts); c.1468A>T, p.Met490Leu (NM_001407919.1, NM_001407937.1, NM_001407938.1 and 19 more transcripts); c.1327A>T, p.Met443Leu (NM_001407920.1, NM_001407921.1, NM_001407922.1 and 9 more transcripts); c.1324A>T, p.Met442Leu (NM_001407930.1, NM_001407931.1, NM_001407932.1 and 2 more transcripts); c.1465A>T, p.Met489Leu (NM_001407940.1, NM_001407941.1, NM_001407649.1 and 11 more transcripts); c.1447A>T, p.Met483Leu (NM_001407943.1, NM_001407964.1, NM_001407740.1 and 20 more transcripts); and 40 more; short protein forms M484L, M531L, M363L, M404L, M235L, M464L, M504L, M530L.
Identifiers: ClinVar variation 922305 (VCV000922305.8), dbSNP rs2053916000, ClinGen allele CA10598863.

ClinVar aggregate classification (germline): Conflicting classifications of pathogenicity. Review status: criteria provided, conflicting classifications (1 of 4 stars). 3 submissions from 3 submitters: Uncertain significance (2); Likely benign (1). Last evaluated 2023-03-23.

Conditions:
Hereditary cancer-predisposing syndrome. Also called: Neoplastic Syndromes, Hereditary; Tumor predisposition; Hereditary Cancer Syndrome; Hereditary neoplastic syndrome. Identifiers: Orphanet 140162, MedGen C0027672, MeSH D009386, MONDO:0015356.
Hereditary breast ovarian cancer syndrome. Also called: BRCA1- and BRCA2-Associated Hereditary Breast and Ovarian Cancer; Hereditary breast and ovarian cancer syndrome; Hereditary breast and ovarian cancer; Hereditary breast and ovarian cancer syndrome (HBOC); Breast and ovarian cancer; Hereditary breast and/or ovarian cancer syndrome. Identifiers: Orphanet 145, MedGen C0677776, MeSH D061325, MONDO:0003582. Disease mechanism: loss of function.

Submissions (3):

University of Washington Department of Laboratory Medicine, University of Washington
Classification: Likely benign for Hereditary cancer-predisposing syndrome. Last evaluated: 2023-03-23. Review status: criteria provided, single submitter. Criteria: Dines et al. (Genet Med. 2020). Collection method: curation. Allele origin: germline.
Comment: Missense variant in a coldspot region where missense variants are very unlikely to be pathogenic (PMID:31911673).

BRCA1 coldspot (exon 11 using historical exon numbering). Reclassification based on statistical prior probability

Labcorp Genetics (formerly Invitae), Labcorp
Classification: Uncertain significance for Hereditary breast ovarian cancer syndrome. Last evaluated: 2023-03-04. Review status: criteria provided, single submitter. Criteria: Invitae Variant Classification Sherloc (09022015). Collection method: clinical testing. Allele origin: germline.
Comment: This sequence change replaces methionine, which is neutral and non-polar, with leucine, which is neutral and non-polar, at codon 531 of the BRCA1 protein (p.Met531Leu). This variant is not present in population databases (gnomAD no frequency). In summary, the available evidence is currently insufficient to determine the role of this variant in disease. Therefore, it has been classified as a Variant of Uncertain Significance. Advanced modeling of protein sequence and biophysical properties (such as structural, functional, and spatial information, amino acid conservation, physicochemical variation, residue mobility, and thermodynamic stability) performed at Invitae indicates that this missense variant is not expected to disrupt BRCA1 protein function. ClinVar contains an entry for this variant (Variation ID: 922305). This variant has not been reported in the literature in individuals affected with BRCA1-related conditions.

Color Diagnostics, LLC DBA Color Health
Classification: Uncertain significance for Hereditary cancer-predisposing syndrome. Last evaluated: 2019-04-30. Review status: criteria provided, single submitter. Criteria: ACMG Guidelines, 2015. Collection method: clinical testing. Allele origin: germline.